The following is an entry in ClinVar:

ClinVar aggregate classification (germline): Benign. Review status: criteria provided, multiple submitters, no conflicts (2 of 4 stars). 3 submissions from 3 submitters: Benign (3). Last evaluated 2024-07-31.

Allele frequency attached by ClinVar (database versions not stated): 1000 Genomes Project 30x 0.33214; gnomAD 0.31310 and 0.32398; 1000 Genomes Project 0.31769; TOPMed 0.32474.
gnomAD v4.1: 299,153 of 1,466,832 alleles (20%); highest among the groups gnomAD compares: African/African-American, 63%; 37,682 homozygotes.

Submissions (3):

Unidad de Genómica Garrahan, Hospital de Pediatría Garrahan
Classification: Benign. Last evaluated: 2024-07-31. Review status: criteria provided, single submitter. Criteria: ACMG Guidelines, 2015. Collection method: clinical testing. Allele origin: germline. Affected: no. Observed: 23 variant alleles.
Comment: This variant is classified as Benign based on local population frequency. This variant was detected in 25% of patients studied in a panel designed for Epileptic and Developmental Encephalopathy, Progressive Myoclonus Epilepsy and Abnormal Movements and Neurodegeneration with brain iron accumulation. Number of patients: 23. Only high quality variants are reported.

GeneDx
Classification: Benign. Last evaluated: 2021-05-15. Review status: criteria provided, single submitter. Criteria: GeneDx Variant Classification Process June 2021. Collection method: clinical testing. Allele origin: germline. Affected: yes.

Breakthrough Genomics
Classification: Benign. Review status: criteria provided, single submitter. Criteria: ACMG Guidelines, 2015. Collection method: not provided. Allele origin: germline. Inheritance: Autosomal recessive inheritance. Affected: yes.

NM_001128431.4(SLC39A14):c.-15-67G>A

Gene: SLC39A14 (solute carrier family 39 member 14; plus strand). Cytogenetic location: 8p21.3.
Variant type: single nucleotide variant.
Coding change: c.-15-67G>A on transcript NM_001128431.4 (MANE Select); 67 bases into the intron before 15 bases upstream of the start codon, G replaced by A.
Molecular consequence: intron variant.
Genome position (GRCh38, 1-based): chr8:22,404,629, G>A. VCF-style: chr8-22404629-G-A. GRCh37 (hg19) VCF-style: chr8-22262142-G-A.
Other names: c.-15-67G>A (NM_001135154.3, NM_001351656.2, NM_001351655.2 and 3 more transcripts); c.16-67G>A (NM_001351657.2, NM_001351658.2, NM_001351659.2).
Identifiers: ClinVar variation 1239892 (VCV001239892.6), dbSNP rs896376, ClinGen allele CA12858950.